The following is an entry in ClinVar:

ClinVar aggregate classification (germline): Uncertain significance (1 of 4 stars; one submission).

Conditions:
Progressive sclerosing poliodystrophy (MTDPS4A). Also called: NEURONAL DEGENERATION OF CHILDHOOD WITH LIVER DISEASE, PROGRESSIVE; Alpers-Huttenlocher Syndrome (AHS); ALPERS PROGRESSIVE INFANTILE POLIODYSTROPHY; Mitochondrial DNA Depletion Syndrome 4A; Alpers Syndrome; ALPERS DIFFUSE DEGENERATION OF CEREBRAL GRAY MATTER WITH HEPATIC CIRRHOSIS. Identifiers: Orphanet 726, MedGen C0205710, MONDO:0008758, OMIM 203700.

Submission:

Baylor Genetics
Classification: Uncertain significance for Progressive sclerosing poliodystrophy. Last evaluated: 2019-10-06. Review status: criteria provided, single submitter. Criteria: ACMG Guidelines, 2015. Collection method: clinical testing. Allele origin: unknown. Affected: yes.
Comment: This variant was determined to be of uncertain significance according to ACMG Guidelines, 2015 [PMID:25741868].

NM_002693.3(POLG):c.2384A>G (p.Asn795Ser)

Gene: POLG (DNA polymerase gamma, catalytic subunit; minus strand). Cytogenetic location: 15q26.1.
Variant type: single nucleotide variant.
Coding change: c.2384A>G on transcript NM_002693.3 (MANE Select); coding-DNA position 2384, A replaced by G.
Protein change: p.Asn795Ser; replaces asparagine 795 with serine.
Molecular consequence: missense variant.
Genome position (GRCh38, 1-based): chr15:89,322,784, T>C on the plus strand (A>G on the coding strand, the complement: POLG is on the minus strand). VCF-style: chr15-89322784-T-C. GRCh37 (hg19) VCF-style: chr15-89866015-T-C.
Other names: c.2384A>G, p.Asn795Ser (NM_001126131.2); short protein forms N795S.
Identifiers: ClinVar variation 1030581 (VCV001030581.1), dbSNP rs2055414996, ClinGen allele CA393756342.